The following is an entry in ClinVar:

ClinVar aggregate classification (germline): Pathogenic (1 of 4 stars; one submission).

gnomAD v4.1: 3 of 1,614,226 alleles (0.00019%); highest among the groups gnomAD compares: East Asian, 0.0067%; no homozygotes.

Submission:

Labcorp Genetics (formerly Invitae), Labcorp
Classification: Pathogenic. Last evaluated: 2024-03-04. Review status: criteria provided, single submitter. Criteria: Invitae Variant Classification Sherloc (09022015). Collection method: clinical testing. Allele origin: germline.
Comment: This sequence change creates a premature translational stop signal (p.Cys378*) in the HPS5 gene. It is expected to result in an absent or disrupted protein product. Loss-of-function variants in HPS5 are known to be pathogenic (PMID: 12548288, 15296495, 21833017, 26785811). This variant is not present in population databases (gnomAD no frequency). This variant has not been reported in the literature in individuals affected with HPS5-related conditions. For these reasons, this variant has been classified as Pathogenic.

Literature cited by the submitters: PubMed 12548288; PubMed 15296495; PubMed 21833017; PubMed 26785811.

NM_181507.2(HPS5):c.1134T>A (p.Cys378Ter)

Gene: HPS5 (HPS5 biogenesis of lysosomal organelles complex 2 subunit 2; minus strand). Cytogenetic location: 11p15.1.
Variant type: single nucleotide variant.
Coding change: c.1134T>A on transcript NM_181507.2 (MANE Select); coding-DNA position 1134, T replaced by A.
Protein change: p.Cys378Ter; replaces cysteine 378 with a stop codon.
Molecular consequence: nonsense.
Genome position (GRCh38, 1-based): chr11:18,298,822, A>T on the plus strand (T>A on the coding strand, the complement: HPS5 is on the minus strand). VCF-style: chr11-18298822-A-T. GRCh37 (hg19) VCF-style: chr11-18320369-A-T.
Other names: c.792T>A, p.Cys264Ter (NM_007216.4, NM_181508.2); short protein forms C264*, C378*.
Identifiers: ClinVar variation 3615335 (VCV003615335.2).